The following is an entry in ClinVar:

ClinVar aggregate classification (germline): Pathogenic/Likely pathogenic. Review status: criteria provided, multiple submitters, no conflicts (2 of 4 stars). 2 submissions from 2 submitters: Pathogenic (1); Likely pathogenic (1). Last evaluated 2025-09-19.

Conditions:
Cohen syndrome (COH1). Also called: PEPPER SYNDROME; Cutis verticis gyrata, retinitis pigmentosa, and sensorineural deafness. Identifiers: Orphanet 193, MedGen C0265223, MONDO:0008999, OMIM 216550.

Submissions (2):

Natera, Inc.
Classification: Likely pathogenic for Cohen syndrome. Last evaluated: 2025-09-19. Review status: criteria provided, single submitter. Criteria: Natera Variant Classification Schema (03/2026). Collection method: clinical testing. Allele origin: germline.
Comment: The c.3032_3033delAT variant in VPS13B is a frameshift variant predicted to shift the reading frame beginning at codon 1011 and leads to a stop codon 4 codons downstream. This variant is expected to result in nonsense mediated decay, truncation, or a dysfunctional protein product. This variant is rare in the general population with a frequency below the threshold expected for the associated phenotype(s). Given the available evidence, this variant is classified as Likely Pathogenic.

Labcorp Genetics (formerly Invitae), Labcorp
Classification: Pathogenic for Cohen syndrome. Last evaluated: 2022-09-23. Review status: criteria provided, single submitter. Criteria: Invitae Variant Classification Sherloc (09022015). Collection method: clinical testing. Allele origin: germline.
Comment: For these reasons, this variant has been classified as Pathogenic. This variant has not been reported in the literature in individuals affected with VPS13B-related conditions. This variant is not present in population databases (gnomAD no frequency). This sequence change creates a premature translational stop signal (p.Tyr1011Serfs*4) in the VPS13B gene. It is expected to result in an absent or disrupted protein product. Loss-of-function variants in VPS13B are known to be pathogenic (PMID: 15141358, 16648375, 20461111).

Literature cited by the submitters: PubMed 15141358 (cited by Labcorp Genetics (formerly Invitae), Labcorp); PubMed 16648375 (cited by Labcorp Genetics (formerly Invitae), Labcorp); PubMed 20461111 (cited by Labcorp Genetics (formerly Invitae), Labcorp).

NM_152564.5(VPS13B):c.3032_3033del (p.Tyr1011fs)

Gene: VPS13B (vacuolar protein sorting 13 homolog B; plus strand). Cytogenetic location: 8q22.2.
Variant type: Microsatellite.
Coding change: c.3032_3033del on transcript NM_152564.5 (MANE Select); coding-DNA positions 3032 to 3033, 2 bases deleted (AT; older notation c.3032_3033delAT).
Protein change: p.Tyr1011fs; shifts the reading frame from tyrosine 1011.
Molecular consequence: frameshift variant.
Genome position (GRCh38, 1-based): chr8:99,391,654-99,391,655, AT deleted; deleting any 2 consecutive bases within chr8:99,391,652-99,391,655 gives the same sequence; the c. name uses the placement nearest the transcript's 3' end. VCF-style (leftmost placement, unchanged base first): chr8-99391651-CAT-C. GRCh37 (hg19) VCF-style: chr8-100403879-CAT-C.
Other names: c.3030_3031AT[1], p.Tyr1011Serfs (NM_017890.4); c.3032_3033del, p.Tyr1011fs (NM_017890.5); c.3032_3033delAT (NM_017890.4); short protein forms Y1011fs.
Identifiers: ClinVar variation 1985537 (VCV001985537.5), dbSNP rs2489875713, ClinGen allele CA2580617203.